The following is an entry in ClinVar:

NM_017866.6(TMEM70):c.317-2A>G

Gene: TMEM70 (transmembrane protein 70; plus strand). Cytogenetic location: 8q21.11.
Variant type: single nucleotide variant.
Coding change: c.317-2A>G on transcript NM_017866.6 (MANE Select); the canonical splice acceptor site of the intron before coding-DNA position 317, A replaced by G.
Molecular consequence: splice acceptor variant.
Genome position (GRCh38, 1-based): chr8:73,981,153, A>G. VCF-style: chr8-73981153-A-G. GRCh37 (hg19) VCF-style: chr8-74893388-A-G.
Other names: IVS2AS, A-G, -2; c.*7-2A>G (NM_001040613.3); c.317-2A>G (NM_017866.4).
Identifiers: ClinVar variation 540 (VCV000000540.84), dbSNP rs183973249, ClinGen allele CA114347.

ClinVar aggregate classification (germline): Pathogenic/Likely pathogenic. Review status: criteria provided, multiple submitters, no conflicts (2 of 4 stars). 25 submissions from 25 submitters: Pathogenic (23); Likely pathogenic (1). 1 of the submissions does not count toward it. Last evaluated 2026-01-19.

Conditions:
TMEM70-related disorder. Also called: TMEM70-related condition.
Neurodevelopmental disorder. Identifiers: MedGen C1535926, MeSH D065886, MONDO:0700092.
Mitochondrial complex V (ATP synthase) deficiency, nuclear type 2. Also called: MITOCHONDRIAL COMPLEX V (ATP SYNTHASE) DEFICIENCY, TMEM70 TYPE; ENCEPHALOCARDIOMYOPATHY, MITOCHONDRIAL, NEONATAL, DUE TO ATP SYNTHASE DEFICIENCY; Nuclear-Encoded ATPase Deficiency, TMEM70-Related. Identifiers: Orphanet 1194, MedGen C3279699, MONDO:0013546, OMIM 614052.

Allele frequency attached by ClinVar (database versions not stated): gnomAD exomes 0.00007 and 0.00011; ExAC 0.00010; gnomAD 0.00011 and 0.00012; TOPMed 0.00012; 1000 Genomes Project 0.00020; 1000 Genomes Project 30x 0.00031.
gnomAD v4.1: 170 of 1,608,764 alleles (0.011%); highest among the groups gnomAD compares: Admixed American, 0.025%; no homozygotes.

Submissions 1 to 13 of 27:

Labcorp Genetics (formerly Invitae), Labcorp
Classification: Pathogenic for Mitochondrial complex V (ATP synthase) deficiency, nuclear type 2. Last evaluated: 2026-01-19. Review status: criteria provided, single submitter. Criteria: Invitae Variant Classification Sherloc (09022015). Collection method: clinical testing. Allele origin: germline.
Comment: This sequence change affects an acceptor splice site in intron 2 of the TMEM70 gene. While this variant is not anticipated to result in nonsense mediated decay, it likely alters RNA splicing and results in a disrupted protein product. This variant is present in population databases (rs183973249, gnomAD 0.02%). Disruption of this splice site has been observed in individuals with mitochondrial complex V (ATP synthase) deficiency (PMID: 18953340, 26550569). It has also been observed to segregate with disease in related individuals. ClinVar contains an entry for this variant (Variation ID: 540). Studies have shown that disruption of this splice site alters TMEM70 gene expression (PMID: 1895334). Variants that disrupt the consensus splice site are a relatively common cause of aberrant splicing (PMID: 17576681, 9536098). Algorithms developed to predict the effect of sequence changes on RNA splicing suggest that this variant may disrupt the consensus splice site. For these reasons, this variant has been classified as Pathogenic.

Dasa
Classification: Pathogenic. Last evaluated: 2025-08-27. Review status: criteria provided, single submitter. Criteria: DASA Assertion Criteria. Collection method: clinical testing. Allele origin: germline.
Comment: NM_017866.6(TMEM70):c.317-2A>G introduces a premature termination codon predicted to result in loss of normal protein function. Loss-of-function is an established mechanism of disease for this gene. This variant has been observed in affected individuals with related phenotype in a genotype context consistent with recessive disease (PMID: 20728387; PMID: 18953340; PMID: 26550569). This variant has been recurrently observed in individuals with related phenotype (PMID: 20728387; PMID: 18953340; PMID: 26550569). The variant is present at low frequency in population datasets. Based on the available data, this variant is classified as pathogenic.

First Genomix Gene Laboratory, Genetic Diagnostics Department
Classification: Pathogenic for Mitochondrial complex V (ATP synthase) deficiency, nuclear type 2. Last evaluated: 2025-03-24. Review status: criteria provided, single submitter. Criteria: ACMG Guidelines, 2015. Collection method: clinical testing. Allele origin: germline. Inheritance: Autosomal recessive inheritance. Affected: no. Observed: 1 variant allele.

Blueprint Genetics
Classification: Pathogenic for TMEM70-related disorders. Last evaluated: 2024-09-16. Review status: criteria provided, single submitter. Criteria: ACMG Guidelines, 2015. Collection method: clinical testing. Allele origin: germline. Affected: yes. Observed: 5 variant alleles.

3billion
Classification: Pathogenic for Mitochondrial complex V (ATP synthase) deficiency, nuclear type 2. Last evaluated: 2024-09-05. Review status: criteria provided, single submitter. Criteria: ACMG Guidelines, 2015. Collection method: clinical testing. Allele origin: germline. Affected: yes.
Comment: The variant is observed at an extremely low frequency in the gnomAD v4.0.0 dataset (total allele frequency: 0.011%). Predicted Consequence/Location: Canonical splice site: predicted to alter splicing and result in a loss or disruption of normal protein function. The predicted truncated protein may be shortened by more than 10%. In silico tools predict the variant to alter splicing and produce an abnormal transcript [SpliceAI: 0.99 (spliceogenicity >=0.2, non-spliceogenicity <0.1)]. The variant has been reported at least twice as pathogenic with clinical assertions and evidence for the classification (ClinVar ID: VCV000000540 /PMID: 18953340 /3billion dataset). Therefore, this variant is classified as Pathogenic according to the recommendation of ACMG/AMP guideline.

Fulgent Genetics
Classification: Pathogenic for Mitochondrial complex V (ATP synthase) deficiency, nuclear type 2. Last evaluated: 2024-04-07. Review status: criteria provided, single submitter. Criteria: ACMG Guidelines, 2015. Collection method: clinical testing. Allele origin: germline.

GeneDx
Classification: Pathogenic. Last evaluated: 2023-06-22. Review status: criteria provided, single submitter. Criteria: GeneDx Variant Classification Process June 2021. Collection method: clinical testing. Allele origin: germline. Affected: yes.
Comment: cDNA analysis found that c.317-2A>G leads to abnormal splicing and loss of normal TMEM70 transcript (PMID: 18953340); Canonical splice site variant predicted to result in a null allele in a gene for which loss of function is a known mechanism of disease; Not observed at significant frequency in large population cohorts (gnomAD); This variant is associated with the following publications: (PMID: 29678161, 30096161, 24485043, 27649480, 31729175, 20335238, 21815885, 22433607, 26550569, 29502919, 31589614, 34440436, 20937241, 22986587, 20920610, 18953340)

PreventionGenetics, part of Exact Sciences
Classification: Pathogenic for TMEM70-related condition. Last evaluated: 2023-04-28. Review status: criteria provided, single submitter. Criteria: ACMG Guidelines, 2015. Collection method: clinical testing. Allele origin: germline.
Comment: The TMEM70 c.317-2A>G variant is predicted to disrupt the AG splice acceptor site and interfere with normal splicing. This variant has been reported to be pathogenic in patients with neonatal mitochondrial encephalocardiomyopathy (Cízková et al. 2008. PubMed ID: 18953340; Honzík et al. 2010. PubMed ID: 20335238). Functional studies showed this variant leads to absence of the TMEM70 protein and reduction in functional ATP synthase to less than 30% of control values (Havlíčková Karbanová et al. 2012. PubMed ID: 22433607). This variant is reported in 0.014% of alleles in individuals of Latino descent in gnomAD. Variants that disrupt the consensus splice acceptor site in TMEM70 are expected to be pathogenic. This variant is interpreted as pathogenic.

Laboratory of Molecular Genetics (Pr. Bezieau's lab), CHU de Nantes
Classification: Pathogenic for Neurodevelopmental disorder. Last evaluated: 2023-03-13. Review status: criteria provided, single submitter. Criteria: ACMG Guidelines, 2015. Collection method: clinical testing. Allele origin: germline. Affected: yes.

Institute of Human Genetics, Clinical Exome/Genome Diagnostics Group, University Hospital Bonn
Classification: Pathogenic for Mitochondrial complex V (ATP synthase) deficiency, nuclear type 2. Last evaluated: 2023-03-01. Review status: criteria provided, single submitter. Criteria: ACMG Guidelines, 2015. Collection method: clinical testing. Allele origin: germline. Affected: yes.

Revvity Omics, Revvity
Classification: Pathogenic for Mitochondrial complex V (ATP synthase) deficiency, nuclear type 2. Last evaluated: 2023-01-27. Review status: criteria provided, single submitter. Criteria: ACMG Guidelines, 2015. Collection method: clinical testing. Allele origin: germline.

Women's Health and Genetics/Laboratory Corporation of America, LabCorp
Classification: Pathogenic for Mitochondrial complex V (ATP synthase) deficiency, nuclear type 2. Last evaluated: 2023-01-11. Review status: criteria provided, single submitter. Criteria: LabCorp Variant Classification Summary - May 2015. Collection method: clinical testing. Allele origin: germline.
Comment: Variant summary: TMEM70 c.317-2A>G is located in a canonical splice-site and is predicted to affect mRNA splicing resulting in a significantly altered protein due to either exon skipping, shortening, or inclusion of intronic material. Several computational tools predict a significant impact on normal splicing: four predict the variant abolishes a 3' acceptor site. At least one publication reports experimental evidence that this variant affects mRNA splicing (e.g., Cizkova_2008). The variant allele was found at a frequency of 7.2e-05 in 250692 control chromosomes. This frequency is not significantly higher than expected for a pathogenic variant in TMEM70 causing Complex V Deficiency, Nuclear Type 2 (7.2e-05 vs 0.0011), allowing no conclusion about variant significance. c.317-2A>G has been reported in the literature in multiple individuals affected with Complex V Deficiency, Nuclear Type 2 with co-segregation data providing strong evidence for causality (e.g., Cizkova_2008, Cameron_2011, Braczynski_2015, Torraco_2012). These data indicate that the variant is very likely to be associated with disease. Several publications report experimental evidence evaluating an impact on protein function, showing the variant results in a strong reduction in ATP synthesis activity (ranging from 40% to 95% reduction in activity depending on patient and type of tissue) (Cizkova_2008, Cameron_2011, Torraco_2012, Havlickova-Karbanova_2012, Braczynski_2015) as well as a complete absense of TMEM70 protein (Hejzlarova_2011, Torraco_2012) or mRNA (Torraco_2012) in patient fibroblasts. 12 ClinVar submitters (evaluation after 2014) have cited this variant, and all laboratories classified the variant as pathogenic. Based on the evidence outlined above, the variant was classified as pathogenic.

CeGaT Center for Human Genetics Tuebingen
Classification: Pathogenic. Last evaluated: 2023-01-01. Review status: criteria provided, single submitter. Criteria: CeGaT Center For Human Genetics Tuebingen Variant Classification Criteria Version 2. Collection method: clinical testing. Allele origin: germline. Affected: yes. Observed: 3 variant alleles.